The following is an entry in ClinVar:

ClinVar aggregate classification (germline): Uncertain significance (1 of 4 stars; one submission).

Submission:

Labcorp Genetics (formerly Invitae), Labcorp
Classification: Uncertain significance. Last evaluated: 2025-09-08. Review status: criteria provided, single submitter. Criteria: Invitae Variant Classification Sherloc (09022015). Collection method: clinical testing. Allele origin: germline.
Comment: This sequence change replaces serine, which is neutral and polar, with phenylalanine, which is neutral and non-polar, at codon 315 of the RARS protein (p.Ser315Phe). This variant is not present in population databases (gnomAD no frequency). This variant has not been reported in the literature in individuals affected with RARS-related conditions. ClinVar contains an entry for this variant (Variation ID: 1680421). Invitae Evidence Modeling of protein sequence and biophysical properties (such as structural, functional, and spatial information, amino acid conservation, physicochemical variation, residue mobility, and thermodynamic stability) indicates that this missense variant is expected to disrupt RARS protein function with a positive predictive value of 80%. In summary, the available evidence is currently insufficient to determine the role of this variant in disease. Therefore, it has been classified as a Variant of Uncertain Significance.

NM_002887.4(RARS1):c.944C>T (p.Ser315Phe)

Gene: RARS1 (arginyl-tRNA synthetase 1; plus strand). Cytogenetic location: 5q34.
Variant type: single nucleotide variant.
Coding change: c.944C>T on transcript NM_002887.4 (MANE Select); coding-DNA position 944, C replaced by T.
Protein change: p.Ser315Phe; replaces serine 315 with phenylalanine.
Molecular consequence: missense variant.
Genome position (GRCh38, 1-based): chr5:168,500,712, C>T. VCF-style: chr5-168500712-C-T. GRCh37 (hg19) VCF-style: chr5-167927717-C-T.
Other names: short protein forms S315F.
Identifiers: ClinVar variation 1680421 (VCV001680421.8), dbSNP rs2152904597, ClinGen allele CA362081099.